The following is an entry in ClinVar:

ClinVar aggregate classification (germline): Conflicting classifications of pathogenicity. Review status: criteria provided, conflicting classifications (1 of 4 stars). 11 submissions from 11 submitters: Uncertain significance (4); Likely benign (5). 2 of the submissions do not count toward it. Last evaluated 2025-10-09.

Conditions:
Hereditary cancer-predisposing syndrome. Also called: Tumor predisposition; Neoplastic Syndromes, Hereditary; Hereditary neoplastic syndrome; Hereditary Cancer Syndrome. Identifiers: Orphanet 140162, MedGen C0027672, MeSH D009386, MONDO:0015356.
Hereditary breast ovarian cancer syndrome. Also called: Hereditary breast and ovarian cancer; Hereditary breast and ovarian cancer syndrome (HBOC); Hereditary breast and/or ovarian cancer syndrome; Breast and ovarian cancer; Hereditary breast and ovarian cancer syndrome; BRCA1- and BRCA2-Associated Hereditary Breast and Ovarian Cancer. Identifiers: Orphanet 145, MedGen C0677776, MeSH D061325, MONDO:0003582. Disease mechanism: loss of function.
Breast-ovarian cancer, familial, susceptibility to, 2 (BROVCA2). Also called: BRCA2 Hereditary Breast and Ovarian Cancer. Identifiers: Orphanet 145, MedGen C2675520, MONDO:0012933, OMIM 612555. Disease mechanism: loss of function.

Allele frequency attached by ClinVar (database versions not stated): TOPMed below 0.00001; ExAC 0.00001; gnomAD 0.00001; gnomAD exomes 0.00001 and 0.00004.
gnomAD v4.1: 59 of 1,613,338 alleles (0.0037%); highest among the groups gnomAD compares: Non-Finnish European, 0.0048%; no homozygotes.

Submissions (11):

Labcorp Genetics (formerly Invitae), Labcorp
Classification: Likely benign for Hereditary breast ovarian cancer syndrome. Last evaluated: 2025-10-09. Review status: criteria provided, single submitter. Criteria: Invitae Variant Classification Sherloc (09022015). Collection method: clinical testing. Allele origin: germline.

Women's Health and Genetics/Laboratory Corporation of America, LabCorp
Classification: Uncertain significance. Last evaluated: 2025-07-14. Review status: criteria provided, single submitter. Criteria: LabCorp Variant Classification Summary - May 2015. Collection method: clinical testing. Allele origin: germline.
Comment: Variant summary: BRCA2 c.4850G>A (p.Ser1617Asn) results in a conservative amino acid change in the encoded protein sequence. Algorithms developed to predict the effect of missense changes on protein structure and function all suggest that this variant is likely to be tolerated. The variant allele was found at a frequency of 1.2e-05 in 249944 control chromosomes. The available data on variant occurrences in the general population are insufficient to allow any conclusion about variant significance. c.4850G>A has been observed in individual(s) affected with Hereditary Breast And Ovarian Cancer Syndrome (example, Stegel_2011, Dorling_2021) without strong evidence for causality. These report(s) do not provide unequivocal conclusions about association of the variant with Hereditary Breast And Ovarian Cancer Syndrome. Co-occurrences with other pathogenic variant(s) have been reported (BRCA2 c.3599_3600delGT, p.Cys1200X), providing supporting evidence for a benign role. To our knowledge, no experimental evidence demonstrating an impact on protein function has been reported. The following publications have been ascertained in the context of this evaluation (PMID: 21120943, 33471991, 30212499, 21232165). ClinVar contains an entry for this variant (Variation ID: 37928). Based on the evidence outlined above, the variant was classified as VUS-possibly benign.

Quest Diagnostics Nichols Institute San Juan Capistrano
Classification: Uncertain significance. Last evaluated: 2025-01-09. Review status: criteria provided, single submitter. Criteria: Quest Diagnostics criteria. Collection method: clinical testing. Allele origin: unknown.
Comment: The BRCA2 c.4850G>A (p.Ser1617Asn) variant has been reported in the published literature in individuals with a personal or family history of breast and/or ovarian cancer (PMIDs: 33471991 (2021), see also LOVD, 21120943 (2011), 21232165 (2011)). Additionally, the variant has been reported in reportedly healthy individuals (PMID: 33471991 (2021), see also LOVD). It is described to be in a region of the BRCA2 gene that is tolerant to missense sequences changes (PMID: 31911673 (2020)). The frequency of this variant in the general population (Genome Aggregation Database) is uninformative in the assessment of its pathogenicity. Analysis of this variant using bioinformatics tools for the prediction of the effect of amino acid changes on protein structure and function yielded predictions that this variant is benign. Based on the available information, we are unable to determine the clinical significance of this variant.

University of Washington Department of Laboratory Medicine, University of Washington
Classification: Likely benign for Hereditary cancer-predisposing syndrome. Last evaluated: 2023-03-23. Review status: criteria provided, single submitter. Criteria: Dines et al. (Genet Med. 2020). Collection method: curation. Allele origin: germline.
Comment: Missense variant in a coldspot region where missense variants are very unlikely to be pathogenic (PMID:31911673).

BRCA2 exon 11 coldspot. Reclassification based on statistical prior probability.

Sema4
Classification: Uncertain significance for Hereditary cancer-predisposing syndrome. Last evaluated: 2022-02-14. Review status: criteria provided, single submitter. Criteria: Sema4 Curation Guidelines. Collection method: curation. Allele origin: germline.
Comment: The BRCA2 c.4850G>A (p.S1617N) variant has been reported in heterozygosity in individuals with breast and/or ovarian cancer (PMID: 21120943, 21232165, 33471991). It was observed in 3/113110 chromosomes of the Non-Finnish European subpopulation in the large and broad cohorts of the Genome Aggregation Database (PMID: 32461654). The variant has been reported in ClinVar (Variation ID 37928). Functional studies have not been performed, and in silico predictions of the variant's effect on protein function are inconclusive. The evidence is insufficient to meet ACMG/AMP criteria for classifying the variant as benign or pathogenic. Thus, the clinical significance of this variant is currently uncertain.

St. Jude Molecular Pathology, St. Jude Children's Research Hospital
Classification: Uncertain significance for Hereditary breast ovarian cancer syndrome. Last evaluated: 2021-08-04. Review status: criteria provided, single submitter. Criteria: St. Jude Assertion Criteria 2020. Collection method: clinical testing. Allele origin: germline.

Color Diagnostics, LLC DBA Color Health
Classification: Likely benign for Hereditary cancer-predisposing syndrome. Last evaluated: 2018-09-10. Review status: criteria provided, single submitter. Criteria: ACMG Guidelines, 2015. Collection method: clinical testing. Allele origin: germline.

Ambry Genetics
Classification: Likely benign for Hereditary cancer-predisposing syndrome. Last evaluated: 2018-06-13. Review status: criteria provided, single submitter. Criteria: Ambry Variant Classification Scheme 2023. Collection method: clinical testing. Allele origin: germline.

GeneDx
Classification: Likely benign. Last evaluated: 2018-04-05. Review status: criteria provided, single submitter. Criteria: GeneDx Variant Classification Process June 2021. Collection method: clinical testing. Allele origin: germline. Affected: yes.
Comment: This variant is associated with the following publications: (PMID: 21232165, 21120943)

Research Molecular Genetics Laboratory, Women's College Hospital, University of Toronto
Classification: Uncertain significance. Last evaluated: 2014-01-31. Review status: no assertion criteria provided. Collection method: research. Allele origin: germline. Affected: yes. Study: The Canadian Open Genetics Repository (COGR). Not counted in ClinVar's aggregate classification.

Sharing Clinical Reports Project (SCRP)
Classification: Likely benign for Breast-ovarian cancer, familial 2. Last evaluated: 2010-10-04. Review status: no assertion criteria provided. Collection method: clinical testing. Allele origin: germline. Not counted in ClinVar's aggregate classification.

Literature cited by the submitters: PubMed 21232165 (cited by 3 submitters); PubMed 21120943 (cited by 3 submitters); PubMed 30212499 (cited by Women's Health and Genetics/Laboratory Corporation of America, LabCorp and Quest Diagnostics Nichols Institute San Juan Capistrano); PubMed 33471991 (cited by 3 submitters); PubMed 31911673 (cited by Quest Diagnostics Nichols Institute San Juan Capistrano).

NM_000059.4(BRCA2):c.4850G>A (p.Ser1617Asn)

Gene: BRCA2 (BRCA2 DNA repair associated; plus strand). Cytogenetic location: 13q13.1.
Variant type: single nucleotide variant.
Coding change: c.4850G>A on transcript NM_000059.4 (MANE Select); coding-DNA position 4850, G replaced by A.
Protein change: p.Ser1617Asn; replaces serine 1617 with asparagine.
Molecular consequence: missense variant.
Genome position (GRCh38, 1-based): chr13:32,339,205, G>A. VCF-style: chr13-32339205-G-A. GRCh37 (hg19) VCF-style: chr13-32913342-G-A.
Other names: 5078G>A; short protein forms S1617N.
Identifiers: ClinVar variation 37928 (VCV000037928.29), dbSNP rs397507341, ClinGen allele CA020915.